The following is an entry in ClinVar:

ClinVar aggregate classification (germline): Pathogenic (0 of 4 stars; one submission).

Conditions:
AR-related disorder. Also called: AR-related condition.

Submission:

PreventionGenetics, part of Exact Sciences
Classification: Pathogenic for AR-related condition. Last evaluated: 2024-02-21. Review status: no assertion criteria provided. Collection method: clinical testing. Allele origin: germline.
Comment: The AR c.2743delA variant is predicted to result in a frameshift and premature protein termination (p.Ile915Serfs*29). To our knowledge, this variant has not been reported in the literature or in a large population database, indicating this variant is rare. Frameshift variants in AR are expected to be pathogenic. This variant is interpreted as pathogenic.

NM_000044.6(AR):c.2743del (p.Ile915fs)

Gene: AR (androgen receptor; plus strand). Cytogenetic location: Xq12.
Variant type: Deletion.
Coding change: c.2743del on transcript NM_000044.6 (MANE Select); coding-DNA position 2743, one base deleted (A; older notation c.2743delA).
Protein change: p.Ile915fs; shifts the reading frame from isoleucine 915.
Molecular consequence: frameshift variant.
Genome position (GRCh38, 1-based): chrX:67,723,821, A deleted. VCF-style (leftmost placement, unchanged base first): chrX-67723820-CA-C. GRCh37 (hg19) VCF-style: chrX-66943662-CA-C.
Other names: c.1147del, p.Ile383fs (NM_001011645.3); c.2746delA, p.Ile916Serfs (NM_001424175.1); short protein forms I383fs, I915fs.
Identifiers: ClinVar variation 3061398 (VCV003061398.2), dbSNP rs2519845669, ClinGen allele CA2740092185.